The following is an entry in ClinVar:

NM_198859.4(PRICKLE2):c.*3491A>G

Genes: PRICKLE2 (prickle planar cell polarity protein 2; minus strand), PRICKLE2-AS1 (PRICKLE2 antisense RNA 1; plus strand). Cytogenetic location: 3p14.1.
Variant type: single nucleotide variant.
Coding change: c.*3491A>G on transcript NM_198859.4 (MANE Select); 3491 bases downstream of the stop codon, A replaced by G.
Molecular consequence: 3 prime UTR variant.
Genome position (GRCh38, 1-based): chr3:64,095,560, T>C on the plus strand (A>G on the coding strand, the complement: PRICKLE2 is on the minus strand). VCF-style: chr3-64095560-T-C. GRCh37 (hg19) VCF-style: chr3-64081236-T-C.
Other names: c.*3491A>G (NM_001370528.1).
Identifiers: ClinVar variation 346429 (VCV000346429.6), dbSNP rs153730, ClinGen allele CA10619357.

ClinVar aggregate classification (germline): Benign. Review status: criteria provided, multiple submitters, no conflicts (2 of 4 stars). 2 submissions from 2 submitters: Benign (2). Last evaluated 2018-01-13.

Conditions:
Progressive myoclonic epilepsy. Also called: Progressive myoclonus epilepsy; Familial progressive myoclonic epilepsy; Myoclonus epilepsy; Myoclonic Epilepsies, Progressive. Identifiers: Orphanet 308, Orphanet 98261, MedGen C0751778, MONDO:0020074.

Allele frequency attached by ClinVar (database versions not stated): TOPMed 0.35544; gnomAD 0.35921 and 0.36547; 1000 Genomes Project 30x 0.38866; 1000 Genomes Project 0.39517; gnomAD exomes 0.50000.
gnomAD v4.1: 55,737 of 152,034 alleles (37%); highest among the groups gnomAD compares: South Asian, 51%; 10,822 homozygotes.

Submissions (2):

Illumina Laboratory Services, Illumina
Classification: Benign for Progressive myoclonic epilepsy. Last evaluated: 2018-01-13. Review status: criteria provided, single submitter. Criteria: ICSL Variant Classification Criteria 13 December 2019. Collection method: clinical testing. Allele origin: germline.
Comment: This variant was observed in the ICSL laboratory as part of a predisposition screen in an ostensibly healthy population. It had not been previously curated by ICSL or reported in the Human Gene Mutation Database (HGMD: prior to June 1st, 2018), and was therefore a candidate for classification through an automated scoring system. Utilizing variant allele frequency, disease prevalence and penetrance estimates, and inheritance mode, an automated score was calculated to assess if this variant is too frequent to cause the disease. Based on the score and internal cut-off values, a variant classified as benign is not then subjected to further curation. The score for this variant resulted in a classification of benign for this disease.

Breakthrough Genomics
Classification: Benign. Review status: criteria provided, single submitter. Criteria: ACMG Guidelines, 2015. Collection method: not provided. Allele origin: germline. Inheritance: Unknown mechanism. Affected: yes.